The following is an entry in ClinVar:

NM_002608.4(PDGFB):c.278T>C (p.Met93Thr)

Gene: PDGFB (platelet derived growth factor subunit B; minus strand). Cytogenetic location: 22q13.1.
Variant type: single nucleotide variant.
Coding change: c.278T>C on transcript NM_002608.4 (MANE Select); coding-DNA position 278, T replaced by C.
Protein change: p.Met93Thr; replaces methionine 93 with threonine.
Molecular consequence: missense variant.
Genome position (GRCh38, 1-based): chr22:39,231,800, A>G on the plus strand (T>C on the coding strand, the complement: PDGFB is on the minus strand). VCF-style: chr22-39231800-A-G. GRCh37 (hg19) VCF-style: chr22-39627805-A-G.
Other names: c.233T>C, p.Met78Thr (NM_033016.3); short protein forms M93T, M78T.
Identifiers: ClinVar variation 2261515 (VCV002261515.6), dbSNP rs377503522, ClinGen allele CA10240155.

ClinVar aggregate classification (germline): Uncertain significance. Review status: criteria provided, multiple submitters, no conflicts (2 of 4 stars). 2 submissions from 2 submitters: Uncertain significance (2). Last evaluated 2025-05-23.

Conditions:
Inborn genetic diseases. Identifiers: MedGen C0950123, MeSH D030342.

Allele frequency attached by ClinVar (database versions not stated): gnomAD 0.00001; TOPMed 0.00002; ExAC 0.00004; gnomAD exomes 0.00004; ESP Exome Variant Server 0.00008.
gnomAD v4.1: 61 of 1,613,506 alleles (0.0038%); highest among the groups gnomAD compares: Non-Finnish European, 0.0047%; no homozygotes.

Submissions (2):

Ambry Genetics
Classification: Uncertain significance for Inborn genetic diseases. Last evaluated: 2025-05-23. Review status: criteria provided, single submitter. Criteria: Ambry Variant Classification Scheme 2023. Collection method: clinical testing. Allele origin: germline.
Comment: The c.278T>C (p.M93T) alteration is located in exon 4 (coding exon 4) of the PDGFB gene. This alteration results from a T to C substitution at nucleotide position 278, causing the methionine (M) at amino acid position 93 to be replaced by a threonine (T). Based on data from gnomAD, the C allele has an overall frequency of <0.01% (5/248338) total alleles studied. The highest observed frequency was 0.01% (2/18334) of East Asian alleles. This amino acid position is not well conserved in available vertebrate species. This alteration is predicted to be tolerated by in silico analysis. Based on insufficient or conflicting evidence, the clinical significance of this alteration remains unclear.

Labcorp Genetics (formerly Invitae), Labcorp
Classification: Uncertain significance. Last evaluated: 2024-12-15. Review status: criteria provided, single submitter. Criteria: Invitae Variant Classification Sherloc (09022015). Collection method: clinical testing. Allele origin: germline.
Comment: This sequence change replaces methionine, which is neutral and non-polar, with threonine, which is neutral and polar, at codon 93 of the PDGFB protein (p.Met93Thr). This variant is present in population databases (rs377503522, gnomAD 0.01%). This variant has not been reported in the literature in individuals affected with PDGFB-related conditions. ClinVar contains an entry for this variant (Variation ID: 2261515). Invitae Evidence Modeling of protein sequence and biophysical properties (such as structural, functional, and spatial information, amino acid conservation, physicochemical variation, residue mobility, and thermodynamic stability) indicates that this missense variant is not expected to disrupt PDGFB protein function with a negative predictive value of 80%. In summary, the available evidence is currently insufficient to determine the role of this variant in disease. Therefore, it has been classified as a Variant of Uncertain Significance.